The following is an entry in ClinVar:

ClinVar aggregate classification (germline): Uncertain significance. Review status: criteria provided, multiple submitters, no conflicts (2 of 4 stars). 3 submissions from 3 submitters: Uncertain significance (3). Last evaluated 2024-08-06.

Conditions:
Inborn genetic diseases. Identifiers: MedGen C0950123, MeSH D030342.
Immunodeficiency, common variable, 7. Identifiers: Orphanet 1572, Orphanet 696894, MedGen C3542922, MONDO:0013862, OMIM 614699.

Allele frequency attached by ClinVar (database versions not stated): gnomAD 0.00001; TOPMed 0.00004; ExAC 0.00007; gnomAD exomes 0.00008.
gnomAD v4.1: 29 of 1,613,784 alleles (0.0018%); highest among the groups gnomAD compares: Admixed American, 0.033%; no homozygotes.

Submissions (3):

Blueprint Genetics
Classification: Uncertain significance. Last evaluated: 2024-08-06. Review status: criteria provided, single submitter. Criteria: ACMG Guidelines, 2015. Collection method: clinical testing. Allele origin: germline.

Labcorp Genetics (formerly Invitae), Labcorp
Classification: Uncertain significance for Immunodeficiency, common variable, 7. Last evaluated: 2022-10-05. Review status: criteria provided, single submitter. Criteria: Invitae Variant Classification Sherloc (09022015). Collection method: clinical testing. Allele origin: germline.
Comment: This sequence change replaces glutamine, which is neutral and polar, with glutamic acid, which is acidic and polar, at codon 641 of the CR2 protein (p.Gln641Glu). This variant is present in population databases (rs755692271, gnomAD 0.04%). This variant has not been reported in the literature in individuals affected with CR2-related conditions. ClinVar contains an entry for this variant (Variation ID: 966697). Algorithms developed to predict the effect of missense changes on protein structure and function output the following: SIFT: "Tolerated"; PolyPhen-2: "Benign"; Align-GVGD: "Class C0". The glutamic acid amino acid residue is found in multiple mammalian species, which suggests that this missense change does not adversely affect protein function. In summary, the available evidence is currently insufficient to determine the role of this variant in disease. Therefore, it has been classified as a Variant of Uncertain Significance.

Ambry Genetics
Classification: Uncertain significance for Inborn genetic diseases. Last evaluated: 2022-10-03. Review status: criteria provided, single submitter. Criteria: Ambry Variant Classification Scheme 2023. Collection method: clinical testing. Allele origin: germline.

NM_001006658.3(CR2):c.1921C>G (p.Gln641Glu)

Gene: CR2 (complement C3d receptor 2; plus strand). Cytogenetic location: 1q32.2.
Variant type: single nucleotide variant.
Coding change: c.1921C>G on transcript NM_001006658.3 (MANE Select); coding-DNA position 1921, C replaced by G.
Protein change: p.Gln641Glu; replaces glutamine 641 with glutamic acid.
Molecular consequence: missense variant.
Genome position (GRCh38, 1-based): chr1:207,473,122, C>G. VCF-style: chr1-207473122-C-G. GRCh37 (hg19) VCF-style: chr1-207646467-C-G.
Other names: c.1921C>G, p.Gln641Glu (NM_001877.5); short protein forms Q641E.
Identifiers: ClinVar variation 966697 (VCV000966697.9), dbSNP rs755692271, ClinGen allele CA1368824.